The following is an entry in ClinVar:

NM_031407.7(HUWE1):c.7856C>A (p.Ser2619Tyr)

Gene: HUWE1 (HECT, UBA and WWE domain containing E3 ubiquitin protein ligase 1; minus strand). Cytogenetic location: Xp11.22.
Variant type: single nucleotide variant.
Coding change: c.7856C>A on transcript NM_031407.7 (MANE Select); coding-DNA position 7856, C replaced by A.
Protein change: p.Ser2619Tyr; replaces serine 2619 with tyrosine.
Molecular consequence: missense variant.
Genome position (GRCh38, 1-based): chrX:53,559,413, G>T on the plus strand (C>A on the coding strand, the complement: HUWE1 is on the minus strand). VCF-style: chrX-53559413-G-T. GRCh37 (hg19) VCF-style: chrX-53586374-G-T.
Other names: short protein forms S2619Y.
Identifiers: ClinVar variation 3906397 (VCV003906397.1).

ClinVar aggregate classification (germline): Uncertain significance (1 of 4 stars; one submission).

Submission:

GeneDx
Classification: Uncertain significance. Last evaluated: 2024-12-20. Review status: criteria provided, single submitter. Criteria: GeneDx Variant Classification Process June 2021. Collection method: clinical testing. Allele origin: germline. Affected: yes.
Comment: Has not been previously published as pathogenic or benign to our knowledge; Not observed at significant frequency in large population cohorts (gnomAD); In silico analysis indicates that this missense variant does not alter protein structure/function